The following is an entry in ClinVar:

NM_005450.6(NOG):c.45G>A (p.Val15=)

Gene: NOG (noggin; plus strand). Cytogenetic location: 17q22.
Variant type: single nucleotide variant.
Coding change: c.45G>A on transcript NM_005450.6 (MANE Select); coding-DNA position 45, G replaced by A.
Protein change: p.Val15=; no amino-acid change (valine 15 retained).
Molecular consequence: synonymous variant.
Genome position (GRCh38, 1-based): chr17:56,594,268, G>A. VCF-style: chr17-56594268-G-A. GRCh37 (hg19) VCF-style: chr17-54671629-G-A.
Identifiers: ClinVar variation 3611236 (VCV003611236.2).

ClinVar aggregate classification (germline): Uncertain significance (1 of 4 stars; one submission).

gnomAD v4.1: 1 of 1,610,324 alleles (0.000062%); highest among the groups gnomAD compares: Non-Finnish European, 0.000085%; no homozygotes.

Submission:

Labcorp Genetics (formerly Invitae), Labcorp
Classification: Uncertain significance. Last evaluated: 2025-12-17. Review status: criteria provided, single submitter. Criteria: Invitae Variant Classification Sherloc (09022015). Collection method: clinical testing. Allele origin: germline.
Comment: This sequence change affects codon 15 of the NOG mRNA. It is a 'silent' change, meaning that it does not change the encoded amino acid sequence of the NOG protein. This variant is present in population databases (no rsID available, gnomAD 0.007%). This variant has not been reported in the literature in individuals affected with NOG-related conditions. ClinVar contains an entry for this variant (Variation ID: 3611236). In summary, the available evidence is currently insufficient to determine the role of this variant in disease. Therefore, it has been classified as a Variant of Uncertain Significance.